The following is an entry in ClinVar:

ClinVar aggregate classification (germline): Uncertain significance (1 of 4 stars; one submission).

Conditions:
Familial adenomatous polyposis 1 (FAP1). Also called: FAMILIAL ADENOMATOUS POLYPOSIS 1, ATTENUATED; POLYPOSIS, ADENOMATOUS INTESTINAL. Identifiers: MedGen C2713442, MONDO:0021056, OMIM 175100. Disease mechanism: loss of function.

Allele frequency attached by ClinVar (database versions not stated): gnomAD exomes below 0.00001.
gnomAD v4.1: 2 of 1,614,006 alleles (0.00012%); highest among the groups gnomAD compares: South Asian, 0.0011%; no homozygotes.

Submission:

Labcorp Genetics (formerly Invitae), Labcorp
Classification: Uncertain significance for Familial adenomatous polyposis 1. Last evaluated: 2021-05-28. Review status: criteria provided, single submitter. Criteria: Invitae Variant Classification Sherloc (09022015). Collection method: clinical testing. Allele origin: germline.
Comment: This variant has not been reported in the literature in individuals with APC-related conditions. This sequence change replaces proline with arginine at codon 83 of the APC protein (p.Pro83Arg). The proline residue is highly conserved and there is a moderate physicochemical difference between proline and arginine. This variant is not present in population databases (ExAC no frequency). Algorithms developed to predict the effect of missense changes on protein structure and function are either unavailable or do not agree on the potential impact of this missense change (SIFT: "Deleterious"; PolyPhen-2: "Benign"; Align-GVGD: "Class C15"). In summary, the available evidence is currently insufficient to determine the role of this variant in disease. Therefore, it has been classified as a Variant of Uncertain Significance.

NM_000038.6(APC):c.248C>G (p.Pro83Arg)

Gene: APC (APC regulator of Wnt signaling pathway; plus strand). Cytogenetic location: 5q22.2.
Variant type: single nucleotide variant.
Coding change: c.248C>G on transcript NM_000038.6 (MANE Select); coding-DNA position 248, C replaced by G.
Protein change: p.Pro83Arg; replaces proline 83 with arginine.
Molecular consequence: missense variant. On other transcripts: 5 prime UTR variant (1).
Genome position (GRCh38, 1-based): chr5:112,767,216, C>G. VCF-style: chr5-112767216-C-G. GRCh37 (hg19) VCF-style: chr5-112102913-C-G.
Other names: c.248C>G, p.Pro83Arg (NM_001127510.3, NM_001354895.2, NM_001354896.2 and 2 more transcripts); c.278C>G, p.Pro93Arg (NM_001127511.3, NM_001354897.2, NM_001354902.2); c.173C>G, p.Pro58Arg (NM_001354898.2, NM_001354904.2); c.71C>G, p.Pro24Arg (NM_001354900.2, NM_001354901.2, NM_001354905.2); c.-788C>G (NM_001354906.2); short protein forms P24R, P83R, P93R, P58R.
Identifiers: ClinVar variation 1494313 (VCV001494313.8), dbSNP rs1163661746, ClinGen allele CA16021889.
Genomic context (GRCh38, chr5:112,767,216, plus strand): 5'-TGTTGTATAAAAACTTGTTTCTATTTTATTTAGAGCTTAACTTAGATAGCAGTAATTTCC[C>G]TGGAGTAAAACTGCGGTCAAAAATGTCCCTCCGTTCTTATGGAAGCCGGGAAGGATCTGT-3'
Protein context (NP_000029.2, residues 73-93): KELNLDSSNF[Pro83Arg]GVKLRSKMSL